The following is an entry in ClinVar:

ClinVar aggregate classification (germline): Uncertain significance (1 of 4 stars; one submission).

Conditions:
Inborn genetic diseases. Identifiers: MedGen C0950123, MeSH D030342.

Submission:

Ambry Genetics
Classification: Uncertain significance for Inborn genetic diseases. Last evaluated: 2021-01-07. Review status: criteria provided, single submitter. Criteria: Ambry Variant Classification Scheme 2023. Collection method: clinical testing. Allele origin: germline.
Comment: The c.2749A>G (p.T917A) alteration is located in exon 24 (coding exon 23) of the NALCN gene. This alteration results from a A to G substitution at nucleotide position 2749, causing the threonine (T) at amino acid position 917 to be replaced by an alanine (A). The in silico prediction for the p.T917A alteration is inconclusive. Based on insufficient or conflicting evidence, the clinical significance of this alteration remains unclear.

NM_052867.4(NALCN):c.2749A>G (p.Thr917Ala)

Gene: NALCN (sodium leak channel, non-selective; minus strand). Cytogenetic location: 13q33.1.
Variant type: single nucleotide variant.
Coding change: c.2749A>G on transcript NM_052867.4 (MANE Select); coding-DNA position 2749, A replaced by G.
Protein change: p.Thr917Ala; replaces threonine 917 with alanine.
Molecular consequence: missense variant.
Genome position (GRCh38, 1-based): chr13:101,104,538, T>C on the plus strand (A>G on the coding strand, the complement: NALCN is on the minus strand). VCF-style: chr13-101104538-T-C. GRCh37 (hg19) VCF-style: chr13-101756889-T-C.
Other names: c.2836A>G, p.Thr946Ala (NM_001350748.2); c.2749A>G, p.Thr917Ala (NM_001350749.2); c.2662A>G, p.Thr888Ala (NM_001350750.2, NM_001350751.2); short protein forms T946A, T888A, T917A.
Identifiers: ClinVar variation 2410193 (VCV002410193.2), dbSNP rs2502155052, ClinGen allele CA388669815.